The following is an entry in ClinVar:

NM_002485.5(NBN):c.156_157del (p.Ser53fs)

Gene: NBN (nibrin; minus strand). Cytogenetic location: 8q21.3.
Variant type: Deletion.
Coding change: c.156_157del on transcript NM_002485.5 (MANE Select); coding-DNA positions 156 to 157, 2 bases deleted (TT; older notation c.156_157delTT).
Protein change: p.Ser53fs; shifts the reading frame from serine 53.
Molecular consequence: frameshift variant. On other transcripts: 5 prime UTR variant (1).
Genome position (GRCh38, 1-based): chr8:89,982,736-89,982,737, AA deleted on the plus strand (TT on the coding strand, the reverse complement: NBN is on the minus strand); deleting any 2 consecutive bases within chr8:89,982,736-89,982,739 gives the same sequence; the c. name uses the placement nearest the transcript's 3' end. VCF-style (leftmost placement, unchanged base first): chr8-89982735-GAA-G. GRCh37 (hg19) VCF-style: chr8-90994963-GAA-G.
Other names: c.156_157delTT (NM_002485.5, NM_002485.4); c.-141_-140del (NM_001024688.3).
Identifiers: ClinVar variation 371121 (VCV000371121.44), dbSNP rs767454740, ClinGen allele CA4803047.

ClinVar aggregate classification (germline): Conflicting classifications of pathogenicity. Review status: criteria provided, conflicting classifications (1 of 4 stars). 16 submissions from 16 submitters: Pathogenic (10); Likely pathogenic (4); Uncertain significance (1). 1 of the submissions does not count toward it. Last evaluated 2026-06-08.

Conditions:
Acute lymphoid leukemia (ALL). Also called: Leukemia, acute lymphoblastic, somatic; Acute lymphoblastic leukemia; Acute lymphocytic leukemia; Lymphoblastic leukemia. Identifiers: Orphanet 513, MedGen C0023449, MONDO:0004967, OMIM 613065, HP:0006721.
NBN-related disorder. Also called: NBN-related condition.
Aplastic anemia. Identifiers: Orphanet 182040, Orphanet 88, MedGen C0002874, MONDO:0015909, OMIM 609135, HP:0001915.
Microcephaly, normal intelligence and immunodeficiency (NBS). Also called: Immunodeficiency, microcephaly with normal intelligence; IMMUNODEFICIENCY, MICROCEPHALY, AND CHROMOSOMAL INSTABILITY; Nijmegen breakage syndrome; Ataxia telangiectasia variant V1; Microcephaly with normal intelligence immunodeficiency and lymphoreticular malignancies; Nonsyndromal microcephaly autosomal recessive with normal intelligence. Identifiers: Orphanet 647, MedGen C0398791, MONDO:0009623, OMIM 251260.
Hereditary cancer-predisposing syndrome. Also called: Hereditary neoplastic syndrome; Neoplastic Syndromes, Hereditary; Hereditary Cancer Syndrome; Tumor predisposition. Identifiers: Orphanet 140162, MedGen C0027672, MeSH D009386, MONDO:0015356.

Submissions (16):

Women's Health and Genetics/Laboratory Corporation of America, LabCorp
Classification: Pathogenic for Microcephaly, normal intelligence and immunodeficiency. Last evaluated: 2026-06-08. Review status: criteria provided, single submitter. Criteria: LabCorp Variant Classification Summary - May 2015. Collection method: clinical testing. Allele origin: germline.
Comment: Variant summary: NBN c.156_157delTT (p.Ser53CysfsX9) results in a premature termination codon, predicted to cause a truncation of the encoded protein or absence of the protein due to nonsense mediated decay, which are commonly known mechanisms for disease. The variant allele was found at a frequency of 2e-05 in 251418 control chromosomes (gnomAD). To our knowledge, c.156_157delTT has not been observed in biallelic individuals affected with Nijmegen Breakage Syndrome, though it has been observed in heterozygous individuals affected with hereditary breast and/or ovarian cancer (e.g. Castera_2014). The following publication has been ascertained in the context of this evaluation (PMID: 24549055). ClinVar contains an entry for this variant (Variation ID: 371121). Based on the evidence outlined above, the variant was classified as pathogenic.

Dasa
Classification: Uncertain significance. Last evaluated: 2026-04-14. Review status: criteria provided, single submitter. Criteria: DASA Assertion Criteria. Collection method: clinical testing. Allele origin: germline.
Comment: NM_002485.5(NBN):c.156_157del (p.Ser53Cysfs*9) is a frameshift variant in NBN predicted to alter the reading frame and introduce a premature termination codon and is predicted to result in an absent or altered protein product. Published studies describe this variant in association with related phenotype (PMID: 24549055; PMID: 34072463). Also, this variant is rare in population databases. The currently available literature and clinical evidence are not sufficient to establish a definitive association between this variant and the reported condition. Therefore, this variant is classified as a variant of uncertain significance.

Labcorp Genetics (formerly Invitae), Labcorp
Classification: Pathogenic for Microcephaly, normal intelligence and immunodeficiency. Last evaluated: 2026-01-26. Review status: criteria provided, single submitter. Criteria: Invitae Variant Classification Sherloc (09022015). Collection method: clinical testing. Allele origin: germline.
Comment: This sequence change creates a premature translational stop signal (p.Ser53Cysfs*9) in the NBN gene. It is expected to result in an absent or disrupted protein product. Loss-of-function variants in NBN are known to be pathogenic (PMID: 9590180, 16415040). This variant is present in population databases (rs767454740, gnomAD 0.004%). This premature translational stop signal has been observed in individual(s) with hereditary breast and/or ovarian cancer (PMID: 24549055). ClinVar contains an entry for this variant (Variation ID: 371121). For these reasons, this variant has been classified as Pathogenic.

Natera, Inc.
Classification: Likely pathogenic for Nijmegen breakage syndrome. Last evaluated: 2025-12-31. Review status: criteria provided, single submitter. Criteria: Natera Variant Classification Schema (03/2026). Collection method: clinical testing. Allele origin: germline.
Comment: The c.156_157delTT variant in NBN is a frameshift variant predicted to shift the reading frame beginning at codon 53 and leads to a stop codon 9 codons downstream. This variant is expected to result in nonsense mediated decay, truncation, or a dysfunctional protein product. This variant is rare in the general population with a frequency below the threshold expected for the associated phenotype(s). Given the available evidence, this variant is classified as Likely Pathogenic.

GeneDx
Classification: Likely pathogenic. Last evaluated: 2025-08-20. Review status: criteria provided, single submitter. Criteria: GeneDx Variant Classification Process June 2021. Collection method: clinical testing. Allele origin: germline. Affected: yes.
Comment: Frameshift variant predicted to result in protein truncation or nonsense mediated decay in a gene for which loss of function is a known mechanism of disease; Not observed at significant frequency in large population cohorts (gnomAD); This variant is associated with the following publications: (PMID: 29922827, 31263571, 37436117, 35264596, 33804961, 24549055, 34887416, 35022142, 35353237, 33763779, 34072463, 25712764)

PreventionGenetics, part of Exact Sciences
Classification: Pathogenic for NBN-related condition. Last evaluated: 2025-01-22. Review status: criteria provided, single submitter. Criteria: ACMG Guidelines, 2015. Collection method: clinical testing. Allele origin: germline.
Comment: The NBN c.156_157delTT variant is predicted to result in a frameshift and premature protein termination (p.Ser53Cysfs*9). This variant was reported in individuals with breast and/or ovarian cancer (example, Table 4. Castéra et al 2014. PubMed ID: 24549055; Hu et al. 2018. PubMed ID: 29922827). This variant is reported in 0.0035% of alleles in individuals of European (Non-Finnish) descent in gnomAD. This variant is interpreted as pathogenic or likely pathogenic in ClinVar. This variant is interpreted as pathogenic.

Baylor Genetics
Classification: Pathogenic for Aplastic anemia. Last evaluated: 2024-03-27. Review status: criteria provided, single submitter. Criteria: ACMG Guidelines, 2015. Collection method: clinical testing. Allele origin: unknown.

Fulgent Genetics
Classification: Pathogenic for Microcephaly, normal intelligence and immunodeficiency; Aplastic anemia; Acute lymphoid leukemia. Last evaluated: 2022-03-31. Review status: criteria provided, single submitter. Criteria: ACMG Guidelines, 2015. Collection method: clinical testing. Allele origin: unknown.

Ambry Genetics
Classification: Pathogenic for Hereditary cancer-predisposing syndrome. Last evaluated: 2022-03-28. Review status: criteria provided, single submitter. Criteria: Ambry Variant Classification Scheme 2023. Collection method: clinical testing. Allele origin: germline.
Comment: The c.156_157delTT pathogenic mutation, located in coding exon 2 of the NBN gene, results from a deletion of two nucleotides between nucleotide positions 156 and 157, causing a translational frameshift with a predicted alternate stop codon (p.S53Cfs*9). This deletion has been reported in one high risk breast and/or ovarian cancer individual (Cast&eacute;ra L et al. Eur. J. Hum. Genet. 2014 Nov;22:1305-13). (Hu C et al. JAMA, 2018 06;319:2401-2409). (Byrjalsen A et al. PLoS Genet, 2020 12;16:e1009231). (Zuntini R et al. Int J Mol Sci, 2021 May;22:). In addition to the clinical data presented in the literature, this alteration is expected to result in loss of function by premature protein truncation or nonsense-mediated mRNA decay. As such, this alteration is interpreted as a disease-causing mutation.

Genome-Nilou Lab
Classification: Pathogenic for Microcephaly, normal intelligence and immunodeficiency. Last evaluated: 2021-11-07. Review status: criteria provided, single submitter. Criteria: ACMG Guidelines, 2015. Collection method: clinical testing. Allele origin: germline. Affected: no.

Laboratorio de Genetica e Diagnostico Molecular, Hospital Israelita Albert Einstein
Classification: Pathogenic. Last evaluated: 2021-06-26. Review status: criteria provided, single submitter. Criteria: ACMG Guidelines, 2015. Collection method: clinical testing. Allele origin: germline. Affected: yes.
Comment: ACMG classification criteria: PVS1, PS4, PM2

Quest Diagnostics Nichols Institute San Juan Capistrano
Classification: Pathogenic. Last evaluated: 2020-09-18. Review status: criteria provided, single submitter. Criteria: Quest Diagnostics criteria. Collection method: clinical testing. Allele origin: unknown.
Comment: This frameshift variant causes the premature termination of NBN protein synthesis. It has been reported in individuals affected with hereditary breast and/or ovarian cancer in the published literature (PMID: 24549055 (2014)). Therefore, the variant is classified as pathogenic.

Blueprint Genetics
Classification: Likely pathogenic for NBN-related disorders. Last evaluated: 2019-02-12. Review status: criteria provided, single submitter. Criteria: ACMG Guidelines, 2015. Collection method: clinical testing. Allele origin: germline. Affected: yes. Observed: 4 variant alleles.

Mendelics
Classification: Pathogenic for Microcephaly, normal intelligence and immunodeficiency. Last evaluated: 2018-07-02. Review status: criteria provided, single submitter. Criteria: Mendelics Assertion Criteria 2017. Collection method: clinical testing. Allele origin: unknown.

Genetic Services Laboratory, University of Chicago
Classification: Likely pathogenic for Leukemia, acute lymphoblastic. Last evaluated: 2016-09-12. Review status: criteria provided, single submitter. Criteria: ACMG Guidelines, 2015. Collection method: clinical testing. Allele origin: germline. Affected: yes.

Counsyl
Classification: Likely pathogenic for Microcephaly, normal intelligence and immunodeficiency. Last evaluated: 2016-07-07. Review status: no assertion criteria provided. Collection method: clinical testing. Allele origin: unknown. Not counted in ClinVar's aggregate classification.

Literature cited by the submitters: PubMed 24549055 (cited by 5 submitters); PubMed 34072463 (cited by Dasa and Ambry Genetics); PubMed 9590180 (cited by Labcorp Genetics (formerly Invitae), Labcorp); PubMed 16415040 (cited by Labcorp Genetics (formerly Invitae), Labcorp); PubMed 25712764 (cited by Quest Diagnostics Nichols Institute San Juan Capistrano).